The following is an entry in ClinVar:

NM_001291303.3(FAT4):c.5338A>T (p.Ile1780Phe)

Gene: FAT4 (FAT atypical cadherin 4; plus strand). Cytogenetic location: 4q28.1.
Variant type: single nucleotide variant.
Coding change: c.5338A>T on transcript NM_001291303.3 (MANE Select); coding-DNA position 5338, A replaced by T.
Protein change: p.Ile1780Phe; replaces isoleucine 1780 with phenylalanine.
Molecular consequence: missense variant.
Genome position (GRCh38, 1-based): chr4:125,406,910, A>T. VCF-style: chr4-125406910-A-T. GRCh37 (hg19) VCF-style: chr4-126328065-A-T.
Other names: c.5338A>T, p.Ile1780Phe (NM_001291285.3, NM_024582.6); c.5338A>T (NM_024582.5); short protein forms I1780F.
Identifiers: ClinVar variation 2420248 (VCV002420248.7), dbSNP rs748949879, ClinGen allele CA3072691.
Genomic context (GRCh38, chr4:125,406,910, plus strand): 5'-ATAGCTCAGATGCTTGGTCTCTTTTTTTAGGGTGCAAATGCTCTCGTCACATACACTATC[A>T]TTAGTGGAGCTGATGATAGTTTTCGCATCGACCCAGAATCCGGAGATCTGATAGCAACCA-3'
Protein context (NP_001278232.1, residues 1770-1790): GANALVTYTI[Ile1780Phe]SGADDSFRID

ClinVar aggregate classification (germline): Uncertain significance. Review status: criteria provided, multiple submitters, no conflicts (2 of 4 stars). 2 submissions from 2 submitters: Uncertain significance (2). Last evaluated 2024-10-17.

Conditions:
Van Maldergem syndrome 2 (VMLDS2). Identifiers: Orphanet 314679, MedGen C3809875, MONDO:0014242, OMIM 615546.
Hennekam lymphangiectasia-lymphedema syndrome 2 (HKLLS2). Identifiers: Orphanet 2136, MedGen C4014939, MONDO:0014454, OMIM 616006.

gnomAD v4.1: 15 of 1,613,762 alleles (0.00093%); highest among the groups gnomAD compares: Non-Finnish European, 0.0013%; no homozygotes.

Submissions (2):

Labcorp Genetics (formerly Invitae), Labcorp
Classification: Uncertain significance. Last evaluated: 2024-10-17. Review status: criteria provided, single submitter. Criteria: Invitae Variant Classification Sherloc (09022015). Collection method: clinical testing. Allele origin: germline.
Comment: This sequence change replaces isoleucine, which is neutral and non-polar, with phenylalanine, which is neutral and non-polar, at codon 1780 of the FAT4 protein (p.Ile1780Phe). This variant is present in population databases (rs748949879, gnomAD 0.0009%). This variant has not been reported in the literature in individuals affected with FAT4-related conditions. ClinVar contains an entry for this variant (Variation ID: 2420248). Invitae Evidence Modeling of protein sequence and biophysical properties (such as structural, functional, and spatial information, amino acid conservation, physicochemical variation, residue mobility, and thermodynamic stability) indicates that this missense variant is expected to disrupt FAT4 protein function with a positive predictive value of 80%. In summary, the available evidence is currently insufficient to determine the role of this variant in disease. Therefore, it has been classified as a Variant of Uncertain Significance.

Fulgent Genetics
Classification: Uncertain significance for Van Maldergem syndrome 2; Hennekam lymphangiectasia-lymphedema syndrome 2. Last evaluated: 2024-01-12. Review status: criteria provided, single submitter. Criteria: ACMG Guidelines, 2015. Collection method: clinical testing. Allele origin: germline.